The following is an entry in ClinVar:

ClinVar aggregate classification (germline): Uncertain significance (1 of 4 stars; one submission).

Conditions:
Facioscapulohumeral muscular dystrophy 2 (FSHD2). Also called: FACIOSCAPULOHUMERAL MUSCULAR DYSTROPHY 2, DIGENIC; FSHD2, DIGENIC; MUSCULAR DYSTROPHY, FACIOSCAPULOHUMERAL, TYPE 1B. Identifiers: Orphanet 269, MedGen C1834671, MONDO:0008031, OMIM 158901.

Allele frequency attached by ClinVar (database versions not stated): gnomAD 0.00001.
gnomAD v4.1: 1 of 1,595,968 alleles (0.000063%); highest among the groups gnomAD compares: African/African-American, 0.0013%; no homozygotes.

Submission:

Labcorp Genetics (formerly Invitae), Labcorp
Classification: Uncertain significance for Facioscapulohumeral muscular dystrophy 2. Last evaluated: 2022-04-03. Review status: criteria provided, single submitter. Criteria: Invitae Variant Classification Sherloc (09022015). Collection method: clinical testing. Allele origin: germline.
Comment: In summary, the available evidence is currently insufficient to determine the role of this variant in disease. Therefore, it has been classified as a Variant of Uncertain Significance. Algorithms developed to predict the effect of missense changes on protein structure and function are either unavailable or do not agree on the potential impact of this missense change (SIFT: "Deleterious"; PolyPhen-2: "Benign"; Align-GVGD: "Class C55"). This variant has not been reported in the literature in individuals affected with SMCHD1-related conditions. This variant is not present in population databases (gnomAD no frequency). This sequence change replaces threonine, which is neutral and polar, with alanine, which is neutral and non-polar, at codon 1096 of the SMCHD1 protein (p.Thr1096Ala).

NM_015295.3(SMCHD1):c.3286A>G (p.Thr1096Ala)

Gene: SMCHD1 (structural maintenance of chromosomes flexible hinge domain containing 1; plus strand). Cytogenetic location: 18p11.32.
Variant type: single nucleotide variant.
Coding change: c.3286A>G on transcript NM_015295.3 (MANE Select); coding-DNA position 3286, A replaced by G.
Protein change: p.Thr1096Ala; replaces threonine 1096 with alanine.
Molecular consequence: missense variant.
Genome position (GRCh38, 1-based): chr18:2,738,406, A>G. VCF-style: chr18-2738406-A-G. GRCh37 (hg19) VCF-style: chr18-2738404-A-G.
Other names: short protein forms T1096A.
Identifiers: ClinVar variation 2036990 (VCV002036990.4), dbSNP rs2075290124, ClinGen allele CA401686831.